The following is an entry in ClinVar:

ClinVar aggregate classification (germline): Likely pathogenic. Review status: criteria provided, single submitter (1 of 4 stars). 2 submissions from 2 submitters: Likely pathogenic (1). 1 of the submissions does not count toward it. Last evaluated 2024-06-07.

Conditions:
Mucopolysaccharidosis, MPS-II (MPS2). Also called: IDS deficiency; Sulfoiduronate sulfatase deficiency; SIDS deficiency; Hunter Syndrome; IDURONATE 2-SULFATASE DEFICIENCY; Mucopolysaccharidosis Type II. Identifiers: Orphanet 580, Orphanet 79388, MedGen C0026705, MONDO:0010674, OMIM 309900.

Submissions (2):

Laboratory of Diagnosis and Therapy of Lysosomal Disorders, University of Padova
Classification: Likely pathogenic for Mucopolysaccharidosis, MPS-II. Last evaluated: 2024-06-07. Review status: criteria provided, single submitter. Criteria: ACMG Guidelines, 2015. Collection method: literature only. Allele origin: germline. Affected: yes. Observed: 1 variant allele.
Comment: Null variant (PVS1_Strong), Absent from controls (or at low frequency) in gnomAD database (PM2_Moderate), Patient’s phenotype or family history highly specific for the disease (PP4_Moderate)

Classification method: ACMG Guidelines [PMID:25741868] with modifications

Division of Medical Genetics, Department of Pediatrics, All India Institute of Medical Sciences, New Delhi
Classification: Likely pathogenic for Mucopolysaccharidosis, MPS-II. Last evaluated: 2014-09-01. Review status: no assertion criteria provided. Collection method: research. Allele origin: germline. Inheritance: X-linked recessive inheritance. Affected: yes. Observed: 1 variant allele, 1 hemizygote. Not counted in ClinVar's aggregate classification.
Comment: The change c.1254_1254delT (p.P419Hfs*21) was found to be a novel small frame-shift deletion variant, where a single base deletion leads to frameshift change in the ORF of the translated peptide leading to the substitution of a cyclic nonpolar neutral amino acid Proline at 419 position by aromatic basic polar amino acid Histidine. This leads to a change in peptide sequence and formation of a stop codon after 21 amino acid downstream of the variant. In silico analysis by the web tool Mutation Taster characterise it as a "Disease causing" pathogenic variant.

Literature cited by the submitters: PubMed 35144014 (cited by Laboratory of Diagnosis and Therapy of Lysosomal Disorders, University of Padova).

NM_000202.8(IDS):c.1254del (p.Pro419fs)

Gene: IDS (iduronate 2-sulfatase; minus strand). Cytogenetic location: Xq28.
Variant type: Deletion.
Coding change: c.1254del on transcript NM_000202.8 (MANE Select); coding-DNA position 1254, one base deleted (T; older notation c.1254delT).
Protein change: p.Pro419fs; shifts the reading frame from proline 419.
Molecular consequence: frameshift variant.
Genome position (GRCh38, 1-based): chrX:149,483,145, A deleted on the plus strand (T on the coding strand, the reverse complement: IDS is on the minus strand); the first of 2 consecutive A bases (chrX:149,483,145-149,483,146); deleting either gives the same sequence. VCF-style (leftmost placement, unchanged base first): chrX-149483144-GA-G. GRCh37 (hg19) VCF-style: chrX-148564675-GA-G.
Other names: c.1254_1254delT (NM_000202.8); c.984del, p.Pro329fs (NM_001166550.4); short protein forms P329fs, P419fs.
Identifiers: ClinVar variation 1065330 (VCV001065330.4), dbSNP rs2123994946, ClinGen allele CA2499226413.